The following is an entry in ClinVar:

NM_000143.4(FH):c.301C>T (p.Arg101Ter)

Gene: FH (fumarate hydratase; minus strand). Cytogenetic location: 1q43.
Variant type: single nucleotide variant.
Coding change: c.301C>T on transcript NM_000143.4 (MANE Select); coding-DNA position 301, C replaced by T.
Protein change: p.Arg101Ter; replaces arginine 101 with a stop codon.
Molecular consequence: nonsense.
Genome position (GRCh38, 1-based): chr1:241,513,680, G>A on the plus strand (C>T on the coding strand, the complement: FH is on the minus strand). VCF-style: chr1-241513680-G-A. GRCh37 (hg19) VCF-style: chr1-241676980-G-A.
Other names: R58*; p.R101*:CGA>TGA; short protein forms R101*.
Identifiers: ClinVar variation 16232 (VCV000016232.76), dbSNP rs121913120, ClinGen allele CA167288.

ClinVar aggregate classification (germline): Pathogenic. Review status: criteria provided, multiple submitters, no conflicts (2 of 4 stars). 16 submissions from 16 submitters: Pathogenic (14). 2 of the submissions do not count toward it. Last evaluated 2026-01-25.

Conditions:
Hereditary leiomyomatosis and renal cell cancer. Also called: Multiple cutaneous leiomyomas; LEIOMYOMA, MULTIPLE CUTANEOUS; Familial leiomyomatosis; FH tumor predisposition syndrome; Reed syndrome; Multiple cutaneous and uterine leiomyomatosis. Identifiers: Orphanet 523, MedGen C1708350, MONDO:0007888, OMIM 150800, HP:0007437. Disease mechanism: loss of function.
Fumarase deficiency (FMRD). Also called: Fumaric aciduria; Fumarate Hydratase Deficiency. Identifiers: Orphanet 24, MedGen C0342770, MONDO:0011730, OMIM 606812.
Hereditary cancer-predisposing syndrome. Also called: Hereditary neoplastic syndrome; Hereditary Cancer Syndrome; Neoplastic Syndromes, Hereditary; Tumor predisposition. Identifiers: Orphanet 140162, MedGen C0027672, MeSH D009386, MONDO:0015356.

Allele frequency attached by ClinVar (database versions not stated): gnomAD 0.00001; gnomAD exomes 0.00001; TOPMed 0.00001.
gnomAD v4.1: 12 of 1,613,900 alleles (0.00074%); highest among the groups gnomAD compares: Non-Finnish European, 0.001%; no homozygotes.

Submissions (16):

Labcorp Genetics (formerly Invitae), Labcorp
Classification: Pathogenic. Last evaluated: 2026-01-25. Review status: criteria provided, single submitter. Criteria: Invitae Variant Classification Sherloc (09022015). Collection method: clinical testing. Allele origin: germline.
Comment: This sequence change creates a premature translational stop signal (p.Arg101*) in the FH gene. It is expected to result in an absent or disrupted protein product. Loss-of-function variants in FH are known to be pathogenic (PMID: 11865300, 21398687). This variant is not present in population databases (gnomAD no frequency). This premature translational stop signal has been observed in individual(s) with renal cancer and uterine leiomyomas (PMID: 11865300, 15937070, 20549362, 25923021). This variant is also known as p.Arg58*. ClinVar contains an entry for this variant (Variation ID: 16232). For these reasons, this variant has been classified as Pathogenic.

Ambry Genetics
Classification: Pathogenic for Hereditary cancer-predisposing syndrome. Last evaluated: 2025-03-26. Review status: criteria provided, single submitter. Criteria: Ambry Variant Classification Scheme 2023. Collection method: clinical testing. Allele origin: germline.
Comment: The p.R101* pathogenic mutation (also known as c.301C>T), located in coding exon 3 of the FH gene, results from a C to T substitution at nucleotide position 301. This changes the amino acid from an arginine to a stop codon within coding exon 3. This mutation has been identified in several individuals diagnosed with multiple leiomyomas, some of whom also had uterine fibroids and/or renal tumors (Tomlinson IP et al. Nat. Genet. 2002 Apr;30:406-10; Wei MH et al. J. Med. Genet. 2006 Jan;43:18-27; Gardie B et al. J. Med. Genet. 2011 Apr;48:226-34). One functional study showed significantly reduced FH enzyme activity in lymphoblastoid and fibroblast cell lines from a hereditary leiomyomatosis and renal cell cancer (HLRCC) patient with this mutation when compared to controls (Pithukpakorn M et al. J. Med. Genet. 2006 Sep;43:755-62). Of note, this alteration is also designated as R58X (c.172C>T) in published literature. This variant is considered to be rare based on population cohorts in the Genome Aggregation Database (gnomAD). In addition to the clinical data presented in the literature, this alteration is expected to result in loss of function by premature protein truncation or nonsense-mediated mRNA decay. As such, this alteration is interpreted as a disease-causing mutation.

Molecular Pathology, Peter Maccallum Cancer Centre
Classification: Pathogenic for Hereditary leiomyomatosis and renal cell cancer. Last evaluated: 2024-07-19. Review status: criteria provided, single submitter. Criteria: ACMG Guidelines, 2015. Collection method: clinical testing. Allele origin: germline. Inheritance: Autosomal dominant inheritance.

Baylor Genetics
Classification: Pathogenic for Fumarase deficiency. Last evaluated: 2024-02-23. Review status: criteria provided, single submitter. Criteria: ACMG Guidelines, 2015. Collection method: clinical testing. Allele origin: unknown.

KCCC/NGS Laboratory, Kuwait Cancer Control Center
Classification: Pathogenic for Hereditary leiomyomatosis and renal cell cancer. Last evaluated: 2023-07-06. Review status: criteria provided, single submitter. Criteria: ACMG Guidelines, 2015. Collection method: clinical testing. Allele origin: unknown. Inheritance: Autosomal dominant inheritance. Affected: yes. Observed: 1 heterozygote.
Comment: This sequence change creates a premature translational stop signal (p.Arg101*) in the FH gene. It is expected to result in an absent or disrupted protein product. Loss-of-function variants in FH are known to be pathogenic (PMID: 11865300, 21398687). This variant is not present in population databases (gnomAD no frequency). This premature translational stop signal has been observed in individual(s) with renal cancer and uterine leiomyomas (PMID: 121398687, 25525159, 16597677, 11865300, 25923021, 12761039, 15987702, 15937070, 28300276, 27635946, 28152038, 34426522). This variant is also known as p.Arg58*. ClinVar contains an entry for this variant (Variation ID: 16232). Algorithms developed to predict the effect of sequence changes on RNA splicing suggest that this variant may create or strengthen a splice site. For these reasons, this variant has been classified as Pathogenic.

Myriad Genetics, Inc.
Classification: Pathogenic for Hereditary leiomyomatosis and renal cell cancer. Last evaluated: 2023-07-05. Review status: criteria provided, single submitter. Criteria: Myriad Autosomal Dominant, Autosomal Recessive and X-Linked Classification Criteria (2023). Collection method: clinical testing. Allele origin: unknown.
Comment: This variant is considered pathogenic. This variant creates a termination codon and is predicted to result in premature protein truncation.

Clinical Genetics Laboratory, Skane University Hospital Lund
Classification: Pathogenic. Last evaluated: 2023-03-08. Review status: criteria provided, single submitter. Criteria: ACMG Guidelines, 2015. Collection method: clinical testing. Allele origin: germline. Affected: yes.

GeneDx
Classification: Pathogenic. Last evaluated: 2022-03-25. Review status: criteria provided, single submitter. Criteria: GeneDx Variant Classification Process June 2021. Collection method: clinical testing. Allele origin: germline. Affected: yes.
Comment: Nonsense variant predicted to result in protein truncation or nonsense mediated decay in a gene for which loss-of-function is a known mechanism of disease; Published functional studies demonstrate a damaging effect: reduced enzymatic activity (Pithukpakorn 2006); Not observed in large population cohorts (gnomAD); Also known as R58X; This variant is associated with the following publications: (PMID: 21398687, 25525159, 16597677, 11865300, 25923021, 12761039, 15987702, 15937070, 28300276, 27635946, 28152038, 34426522)

Genetics and Molecular Pathology, SA Pathology
Classification: Pathogenic for Hereditary leiomyomatosis and renal cell cancer. Last evaluated: 2021-06-28. Review status: criteria provided, single submitter. Criteria: ACMG Guidelines, 2015. Collection method: clinical testing. Allele origin: germline. Inheritance: Autosomal dominant inheritance. Affected: yes.

Revvity Omics, Revvity
Classification: Pathogenic. Last evaluated: 2019-02-19. Review status: criteria provided, single submitter. Criteria: ACMG Guidelines, 2015. Collection method: clinical testing. Allele origin: germline.

CeGaT Center for Human Genetics Tuebingen
Classification: Pathogenic. Last evaluated: 2018-11-01. Review status: criteria provided, single submitter. Criteria: CeGaT Center For Human Genetics Tuebingen Variant Classification Criteria Version 2. Collection method: clinical testing. Allele origin: germline. Affected: yes. Observed: 1 variant allele.

Fulgent Genetics
Classification: Pathogenic for Fumarase deficiency. Last evaluated: 2017-05-18. Review status: criteria provided, single submitter. Criteria: ACMG Guidelines, 2015. Collection method: clinical testing. Allele origin: unknown.

Genomic Diagnostic Laboratory, Division of Genomic Diagnostics, Children's Hospital of Philadelphia
Classification: Pathogenic for Hereditary leiomyomatosis and renal cell cancer. Last evaluated: 2017-01-17. Review status: criteria provided, single submitter. Criteria: DGD Variant Analysis Guidelines. Collection method: clinical testing. Allele origin: germline. Affected: yes. Observed: 17 variant alleles.
Comment: Clinical Testing

Juno Genomics, Hangzhou Juno Genomics, Inc
Classification: Pathogenic for Fumarase deficiency; Hereditary leiomyomatosis and renal cell cancer. Review status: criteria provided, single submitter. Criteria: ACMG Guidelines, 2015. Collection method: clinical testing. Allele origin: germline.
Comment: Absent from controls (or at extremely low frequency if recessive) in Genome Aggregation Database.;Null variant in a gene where loss of function (LOF) is a known mechanism of disease.;The prevalence of the variant in affected individuals is significantly increased compared to the prevalence in controls.

Natera, Inc.
Classification: Pathogenic for Fumarase Deficiency. Last evaluated: 2020-11-25. Review status: no assertion criteria provided. Collection method: clinical testing. Allele origin: germline. Not counted in ClinVar's aggregate classification.

OMIM
Classification: Pathogenic for HEREDITARY LEIOMYOMATOSIS AND RENAL CELL CANCER. Last evaluated: 2006-01-01. Review status: no assertion criteria provided. Collection method: literature only. Allele origin: germline. Not counted in ClinVar's aggregate classification.

Literature cited by the submitters: PubMed 11865300 (cited by 3 submitters); PubMed 21398687 (cited by Labcorp Genetics (formerly Invitae), Labcorp and Ambry Genetics); PubMed 15937070 (cited by 3 submitters); PubMed 20549362 (cited by Labcorp Genetics (formerly Invitae), Labcorp); PubMed 25923021 (cited by Labcorp Genetics (formerly Invitae), Labcorp and Ambry Genetics); PubMed 16597677 (cited by Ambry Genetics).